The following is an entry in ClinVar:

ClinVar aggregate classification (germline): Uncertain significance (1 of 4 stars; one submission).

Conditions:
Brugada syndrome 4 (BRGDA4). Identifiers: Orphanet 130, MedGen C2678477, MONDO:0012743, OMIM 611876.

Submission:

Labcorp Genetics (formerly Invitae), Labcorp
Classification: Uncertain significance for Brugada syndrome 4. Last evaluated: 2022-10-25. Review status: criteria provided, single submitter. Criteria: Invitae Variant Classification Sherloc (09022015). Collection method: clinical testing. Allele origin: germline.
Comment: This variant results in a copy number gain of the genomic region encompassing exon(s) 7-13 of the CACNB2 gene. This region includes the termination codon of the gene. This copy number gain extends beyond the assayed region for this gene and therefore may encompass additional genes. As the precise location of this event is unknown, it may be in tandem or it may be located elsewhere in the genome. This variant has not been reported in the literature in individuals affected with CACNB2-related conditions. In summary, the available evidence is currently insufficient to determine the role of this variant in disease. Therefore, it has been classified as a Variant of Uncertain Significance.

NC_000010.10:g.(?_18807245)_(18828653_?)dup

Gene: CACNB2 (calcium voltage-gated channel auxiliary subunit beta 2; plus strand). Cytogenetic location: 10p12.31.
Variant type: Duplication.
Identifiers: ClinVar variation 2427689 (VCV002427689.3).